The following is an entry in ClinVar:

NM_000443.4(ABCB4):c.3226A>T (p.Ser1076Cys)

Gene: ABCB4 (ATP binding cassette subfamily B member 4; minus strand). Cytogenetic location: 7q21.12.
Variant type: single nucleotide variant.
Coding change: c.3226A>T on transcript NM_000443.4 (MANE Select); coding-DNA position 3226, A replaced by T.
Protein change: p.Ser1076Cys; replaces serine 1076 with cysteine.
Molecular consequence: missense variant.
Genome position (GRCh38, 1-based): chr7:87,408,090, T>A on the plus strand (A>T on the coding strand, the complement: ABCB4 is on the minus strand). VCF-style: chr7-87408090-T-A. GRCh37 (hg19) VCF-style: chr7-87037406-T-A.
Other names: c.3226A>T, p.Ser1076Cys (NM_018849.3); c.3085A>T, p.Ser1029Cys (NM_018850.3); short protein forms S1029C, S1076C.
Identifiers: ClinVar variation 4846612 (VCV004846612.1).

ClinVar aggregate classification (germline): Uncertain significance (1 of 4 stars; one submission).

Conditions:
Familial intrahepatic cholestasis. Identifiers: Orphanet 284385, MedGen CN296401, MONDO:0017290.

Submission:

Genomenon, Inc
Classification: Uncertain significance for Familial intrahepatic cholestasis. Last evaluated: 2026-04-14. Review status: criteria provided, single submitter. Criteria: Genomenon Sequence Variant Interpretation Standards - Updated. Collection method: curation. Allele origin: germline. Affected: yes.
Comment: ABCB4 p.Ser1076Cys (c.3226A>T) is a missense variant that changes the amino acid at residue 1076 from Serine to Cysteine. This variant has been observed in at least one proband with an ABCB4-related disorder (PMID:37701337). At least one functional study has demonstrated a substantial alteration in protein function relative to the wild-type (PMID:28012258). It is absent or not present at a significant frequency in gnomAD. In silico models predict that this variant is possibly or probably damaging. In conclusion, we classify ABCB4 p.Ser1076Cys (c.3226A>T) as a variant of uncertain significance.

Literature cited by the submitters: PubMed 37701337; PubMed 28012258.